The following is an entry in ClinVar:

NM_000059.4(BRCA2):c.2716dup (p.Thr906fs)

Gene: BRCA2 (BRCA2 DNA repair associated; plus strand). Cytogenetic location: 13q13.1.
Variant type: Duplication.
Coding change: c.2716dup on transcript NM_000059.4 (MANE Select); coding-DNA position 2716, one base duplicated (A; older notation c.2716dupA).
Protein change: p.Thr906fs; shifts the reading frame from threonine 906.
Molecular consequence: frameshift variant.
Genome position (GRCh38, 1-based): chr13:32,337,071, A duplicated. VCF-style (leftmost placement, unchanged base first): chr13-32337070-T-TA. GRCh37 (hg19) VCF-style: chr13-32911207-T-TA.
Other names: c.2716dupA (NM_000059.3); short protein forms T906fs.
Identifiers: ClinVar variation 232441 (VCV000232441.11), dbSNP rs876659767, ClinGen allele CA10579548.

ClinVar aggregate classification (germline): Pathogenic. Review status: reviewed by expert panel (3 of 4 stars). 3 submissions from 3 submitters: Pathogenic (1). 2 of the submissions do not count toward it. Last evaluated 2017-12-15.

Conditions:
Hereditary cancer-predisposing syndrome. Also called: Hereditary Cancer Syndrome; Neoplastic Syndromes, Hereditary; Tumor predisposition; Hereditary neoplastic syndrome. Identifiers: Orphanet 140162, MedGen C0027672, MeSH D009386, MONDO:0015356.
Breast-ovarian cancer, familial, susceptibility to, 2 (BROVCA2). Also called: BRCA2 Hereditary Breast and Ovarian Cancer. Identifiers: Orphanet 145, MedGen C2675520, MONDO:0012933, OMIM 612555. Disease mechanism: loss of function.
Hereditary breast ovarian cancer syndrome. Also called: Hereditary breast and/or ovarian cancer syndrome; BRCA1- and BRCA2-Associated Hereditary Breast and Ovarian Cancer; Hereditary breast and ovarian cancer syndrome (HBOC); Hereditary breast and ovarian cancer; Hereditary breast and ovarian cancer syndrome; Breast and ovarian cancer. Identifiers: Orphanet 145, MedGen C0677776, MeSH D061325, MONDO:0003582. Disease mechanism: loss of function.

Submissions (3):

Evidence-based Network for the Interpretation of Germline Mutant Alleles (ENIGMA)
Classification: Pathogenic for Breast-ovarian cancer, familial, susceptibility to, 2. Last evaluated: 2017-12-15. Review status: reviewed by expert panel. Criteria: ENIGMA BRCA1/2 Classification Criteria (2017-06-29). Collection method: curation. Allele origin: germline. Study: ENIGMA.
Comment: Variant allele predicted to encode a truncated non-functional protein.

Labcorp Genetics (formerly Invitae), Labcorp
Classification: Pathogenic for Hereditary breast ovarian cancer syndrome. Last evaluated: 2025-11-24. Review status: criteria provided, single submitter. Criteria: Invitae Variant Classification Sherloc (09022015). Collection method: clinical testing. Allele origin: germline. Not counted in ClinVar's aggregate classification.
Comment: This sequence change creates a premature translational stop signal (p.Thr906Asnfs*2) in the BRCA2 gene. It is expected to result in an absent or disrupted protein product. Loss-of-function variants in BRCA2 are known to be pathogenic (PMID: 20104584). This variant is not present in population databases (gnomAD no frequency). This variant has not been reported in the literature in individuals affected with BRCA2-related conditions. ClinVar contains an entry for this variant (Variation ID: 232441). For these reasons, this variant has been classified as Pathogenic.

Ambry Genetics
Classification: Pathogenic for Hereditary cancer-predisposing syndrome. Last evaluated: 2015-06-25. Review status: criteria provided, single submitter. Criteria: Ambry Variant Classification Scheme 2023. Collection method: clinical testing. Allele origin: germline. Not counted in ClinVar's aggregate classification.
Comment: The c.2716dupA (also known as 2944insA) pathogenic mutation, located in coding exon 10 of the BRCA2 gene, results from a duplication of A at nucleotide position 2716, causing a translational frameshift with a predicted alternate stop codon. Since frameshifts are typically deleterious in nature, this alteration is interpreted as a disease-causing mutation (ACMG Recommendations for Standards for Interpretation and Reporting of Sequence Variations. Revision 2007. Genet Med. 2008;10:294).

Literature cited by the submitters: PubMed 20104584 (cited by Labcorp Genetics (formerly Invitae), Labcorp).